The following is an entry in ClinVar:

ClinVar aggregate classification (germline): Uncertain significance (1 of 4 stars; one submission).

Conditions:
Hereditary cancer-predisposing syndrome. Also called: Tumor predisposition; Neoplastic Syndromes, Hereditary; Hereditary neoplastic syndrome; Hereditary Cancer Syndrome. Identifiers: Orphanet 140162, MedGen C0027672, MeSH D009386, MONDO:0015356.

Submission:

Ambry Genetics
Classification: Uncertain significance for Hereditary cancer-predisposing syndrome. Last evaluated: 2025-08-27. Review status: criteria provided, single submitter. Criteria: Ambry Variant Classification Scheme 2023. Collection method: clinical testing. Allele origin: germline.
Comment: The p.H39N variant (also known as c.115C>A), located in coding exon 2 of the MUTYH gene, results from a C to A substitution at nucleotide position 115. The histidine at codon 39 is replaced by asparagine, an amino acid with similar properties. This amino acid position is conserved. In addition, this alteration is predicted to be tolerated by in silico analysis. Based on the available evidence, the clinical significance of this variant remains unclear.

NM_001048174.2(MUTYH):c.73C>A (p.His25Asn)

Gene: MUTYH (mutY DNA glycosylase; minus strand). Cytogenetic location: 1p34.1.
Variant type: single nucleotide variant.
Coding change: c.73C>A on transcript NM_001048174.2 (MANE Select); coding-DNA position 73, C replaced by A.
Protein change: p.His25Asn; replaces histidine 25 with asparagine.
Molecular consequence: missense variant. On other transcripts: non-coding transcript variant (7), 5 prime UTR variant (7).
Genome position (GRCh38, 1-based): chr1:45,334,433, G>T on the plus strand (C>A on the coding strand, the complement: MUTYH is on the minus strand). VCF-style: chr1-45334433-G-T. GRCh37 (hg19) VCF-style: chr1-45800105-G-T.
Other names: c.73C>A, p.His25Asn (NM_001048171.2, NM_001407070.1, NM_001407071.1 and 15 more transcripts); c.115C>A, p.His39Asn (NM_012222.3, NM_001407069.1, NM_001407073.1 and 2 more transcripts); c.-135C>A (NM_001350651.2, NM_001407082.1); c.-84C>A (NM_001407075.1); c.91C>A, p.His31Asn (NM_001407087.1); c.-140C>A (NM_001407091.1, NM_001293192.2, NM_001293196.2); c.-199C>A (NM_001350650.2); short protein forms H25N, H31N, H39N.
Identifiers: ClinVar variation 4113067 (VCV004113067.1).